The following is an entry in ClinVar:

NM_014317.5(PDSS1):c.270A>T (p.Glu90Asp)

Gene: PDSS1 (decaprenyl diphosphate synthase subunit 1; plus strand). Cytogenetic location: 10p12.1.
Variant type: single nucleotide variant.
Coding change: c.270A>T on transcript NM_014317.5 (MANE Select); coding-DNA position 270, A replaced by T.
Protein change: p.Glu90Asp; replaces glutamic acid 90 with aspartic acid.
Molecular consequence: missense variant. On other transcripts: 5 prime UTR variant (1).
Genome position (GRCh38, 1-based): chr10:26,705,328, A>T. VCF-style: chr10-26705328-A-T. GRCh37 (hg19) VCF-style: chr10-26994257-A-T.
Other names: c.270A>T, p.Glu90Asp (NM_001321978.2); c.-324A>T (NM_001321979.2); c.270A>T (NM_014317.3); short protein forms E90D.
Identifiers: ClinVar variation 1433998 (VCV001433998.11), dbSNP rs147126048, ClinGen allele CA5446896.
Genomic context (GRCh38, chr10:26,705,328, plus strand): 5'-CATTTTTGCATGTCCCAGGTTTCATCACACAACCCCAGACAGTAAAACACACAGTGGTGA[A>T]AAATACACCGATCCTTTCAAACTCGGTTGGAGAGACTTGAAAGGTCTGTATGAGGACATT-3'
Protein context (NP_055132.2, residues 80-100): TTPDSKTHSG[Glu90Asp]KYTDPFKLGW

ClinVar aggregate classification (germline): Uncertain significance. Review status: criteria provided, multiple submitters, no conflicts (2 of 4 stars). 3 submissions from 3 submitters: Uncertain significance (3). Last evaluated 2024-06-17.

Conditions:
Deafness-encephaloneuropathy-obesity-valvulopathy syndrome. Identifiers: Orphanet 254898, MedGen C3553354, MONDO:0013837, OMIM 614651.

Allele frequency attached by ClinVar (database versions not stated): ExAC 0.00001; gnomAD 0.00001; gnomAD exomes 0.00001; TOPMed 0.00002; ESP Exome Variant Server 0.00015.
gnomAD v4.1: 7 of 1,613,162 alleles (0.00043%); highest among the groups gnomAD compares: African/African-American, 0.0027%; no homozygotes.

Submissions (3):

Fulgent Genetics
Classification: Uncertain significance for Deafness-encephaloneuropathy-obesity-valvulopathy syndrome. Last evaluated: 2024-06-17. Review status: criteria provided, single submitter. Criteria: ACMG Guidelines, 2015. Collection method: clinical testing. Allele origin: germline.

Labcorp Genetics (formerly Invitae), Labcorp
Classification: Uncertain significance. Last evaluated: 2022-10-13. Review status: criteria provided, single submitter. Criteria: Invitae Variant Classification Sherloc (09022015). Collection method: clinical testing. Allele origin: germline.
Comment: This sequence change replaces glutamic acid, which is acidic and polar, with aspartic acid, which is acidic and polar, at codon 90 of the PDSS1 protein (p.Glu90Asp). This variant is present in population databases (rs147126048, gnomAD 0.003%). This variant has not been reported in the literature in individuals affected with PDSS1-related conditions. ClinVar contains an entry for this variant (Variation ID: 1433998). Algorithms developed to predict the effect of missense changes on protein structure and function are either unavailable or do not agree on the potential impact of this missense change (SIFT: "Not Available"; PolyPhen-2: "Benign"; Align-GVGD: "Not Available"). In summary, the available evidence is currently insufficient to determine the role of this variant in disease. Therefore, it has been classified as a Variant of Uncertain Significance.

Revvity Omics, Revvity
Classification: Uncertain significance for Deafness-encephaloneuropathy-obesity-valvulopathy syndrome. Last evaluated: 2019-04-03. Review status: criteria provided, single submitter. Criteria: ACMG Guidelines, 2015. Collection method: clinical testing. Allele origin: germline.